The following is an entry in ClinVar:

ClinVar aggregate classification (germline): Likely pathogenic (1 of 4 stars; one submission).

Conditions:
Smith-Lemli-Opitz syndrome (SLOS). Also called: LETHAL ACRODYSGENITAL SYNDROME; POLYDACTYLY, SEX REVERSAL, RENAL HYPOPLASIA, AND UNILOBAR LUNG; RSH SYNDROME; RUTLEDGE LETHAL MULTIPLE CONGENITAL ANOMALY SYNDROME; 7-Dehydrocholesterol reductase deficiency. Identifiers: Orphanet 818, MedGen C0175694, MONDO:0010035, OMIM 270400.

Submission:

Myriad Genetics, Inc.
Classification: Likely pathogenic for Smith-Lemli-Opitz syndrome. Last evaluated: 2022-05-18. Review status: criteria provided, single submitter. Criteria: Myriad Women's Health Autosomal Recessive and X-Linked Classification Criteria (2021). Collection method: clinical testing. Allele origin: unknown.
Comment: NM_001360.2(DHCR7):c.199delG(A67Pfs*2) is expected to be pathogenic in the context of Smith-Lemli-Opitz syndrome. This variant is predicted to lead to an abnormal or absent protein product due to the creation of a premature termination codon in DHCR7, a gene where loss-of-function variants are known to be pathogenic. Please note: this variant was assessed in the context of healthy population screening.

NM_001360.3(DHCR7):c.199del (p.Ala67fs)

Gene: DHCR7 (7-dehydrocholesterol reductase; minus strand). Cytogenetic location: 11q13.4.
Variant type: Deletion.
Coding change: c.199del on transcript NM_001360.3 (MANE Select); coding-DNA position 199, one base deleted (G; older notation c.199delG).
Protein change: p.Ala67fs; shifts the reading frame from alanine 67.
Molecular consequence: frameshift variant.
Genome position (GRCh38, 1-based): chr11:71,444,115, C deleted on the plus strand (G on the coding strand, the reverse complement: DHCR7 is on the minus strand). VCF-style (leftmost placement, unchanged base first): chr11-71444114-GC-G. GRCh37 (hg19) VCF-style: chr11-71155160-GC-G.
Other names: c.199del, p.Ala67fs (NM_001163817.2); short protein forms A67fs.
Identifiers: ClinVar variation 1726149 (VCV001726149.2), dbSNP rs2539236641, ClinGen allele CA2580084824.